The following is an entry in ClinVar:

NM_020822.3(KCNT1):c.434+25C>A

Gene: KCNT1 (potassium sodium-activated channel subfamily T member 1; plus strand). Cytogenetic location: 9q34.3.
Variant type: single nucleotide variant.
Coding change: c.434+25C>A on transcript NM_020822.3 (MANE Select); 25 bases into the intron after coding-DNA position 434, C replaced by A.
Molecular consequence: intron variant.
Genome position (GRCh38, 1-based): chr9:135,751,066, C>A. VCF-style: chr9-135751066-C-A. GRCh37 (hg19) VCF-style: chr9-138642912-C-A.
Other names: c.290+25C>A (NM_001272003.2).
Identifiers: ClinVar variation 682075 (VCV000682075.6), dbSNP rs10122976, ClinGen allele CA5326417.
Genomic context (GRCh38, chr9:135,751,066, plus strand): 5'-CGTCCTGCTCGATGACCCGGCCCTGGGCATCGGATGGTGGGCCACGTGCGCGGCCGGGCG[C>A]GGGGTCCCGGGTCCCAGGGCTGAGCCTTCCCACTGGGCCGTTACAGAAGCTGATGGCGTC-3'

ClinVar aggregate classification (germline): Benign. Review status: criteria provided, multiple submitters, no conflicts (2 of 4 stars). 5 submissions from 4 submitters: Benign (5). Last evaluated 2024-07-15.

Conditions:
Autosomal dominant nocturnal frontal lobe epilepsy 5. Also called: Epilepsy, nocturnal frontal lobe, 5; KCNT1-Related Epilepsy; CILIARY DYSKINESIA, PRIMARY, 28, WITHOUT SITUS INVERSUS; CILIARY DYSKINESIA, PRIMARY, 28, WITH SITUS INVERSUS. Identifiers: Orphanet 98784, MedGen C3554306, MONDO:0014002, OMIM 615005.
Developmental and epileptic encephalopathy, 14 (DEE14). Also called: Early infantile epileptic encephalopathy 14. Identifiers: Orphanet 293181, MedGen C3554195, MONDO:0013989, OMIM 614959.

Allele frequency attached by ClinVar (database versions not stated): gnomAD 0.47340; TOPMed 0.47975; ESP Exome Variant Server 0.49238; 1000 Genomes Project 0.54393; 1000 Genomes Project 30x 0.54419.
gnomAD v4.1: 732,548 of 1,596,610 alleles (46%); highest among the groups gnomAD compares: South Asian, 61%; 170,422 homozygotes.

Submissions (5):

Unidad de Genómica Garrahan, Hospital de Pediatría Garrahan
Classification: Benign. Last evaluated: 2024-07-15. Review status: criteria provided, single submitter. Criteria: ACMG Guidelines, 2015. Collection method: clinical testing. Allele origin: germline. Affected: no. Observed: 60 variant alleles.
Comment: This variant is classified as Benign based on local population frequency. This variant was detected in 65% of patients studied in a panel designed for Epileptic and Developmental Encephalopathy and Progressive Myoclonus Epilepsy. Number of patients: 60. Only high quality variants are reported.

Genome-Nilou Lab
Classification: Benign for Developmental and epileptic encephalopathy, 14. Last evaluated: 2021-08-19. Review status: criteria provided, single submitter. Criteria: ACMG Guidelines, 2015. Collection method: clinical testing. Allele origin: germline. Affected: no.

Genome-Nilou Lab
Classification: Benign for Autosomal dominant nocturnal frontal lobe epilepsy 5. Last evaluated: 2021-08-19. Review status: criteria provided, single submitter. Criteria: ACMG Guidelines, 2015. Collection method: clinical testing. Allele origin: germline. Affected: no.

GeneDx
Classification: Benign. Last evaluated: 2018-06-14. Review status: criteria provided, single submitter. Criteria: GeneDx Variant Classification (06012015). Collection method: clinical testing. Allele origin: germline. Affected: yes.
Comment: This variant is considered likely benign or benign based on one or more of the following criteria: it is a conservative change, it occurs at a poorly conserved position in the protein, it is predicted to be benign by multiple in silico algorithms, and/or has population frequency not consistent with disease.

Breakthrough Genomics
Classification: Benign. Review status: criteria provided, single submitter. Criteria: ACMG Guidelines, 2015. Collection method: not provided. Allele origin: germline. Inheritance: Autosomal dominant inheritance. Affected: yes.